The following is an entry in ClinVar:

ClinVar aggregate classification (germline): Uncertain significance (1 of 4 stars; one submission).

gnomAD v4.1: 1 of 1,614,042 alleles (0.000062%); highest among the groups gnomAD compares: Non-Finnish European, 0.000085%; no homozygotes.

Submission:

GeneDx
Classification: Uncertain significance. Last evaluated: 2020-01-28. Review status: criteria provided, single submitter. Criteria: GeneDx Variant Classification Process June 2021. Collection method: clinical testing. Allele origin: germline. Affected: yes.
Comment: Not observed in large population cohorts (Lek et al., 2016); In silico analysis, which includes protein predictors and evolutionary conservation, supports that this variant does not alter protein structure/function; Has not been previously published as pathogenic or benign to our knowledge

NM_017780.4(CHD7):c.5771A>G (p.Tyr1924Cys)

Gene: CHD7 (chromodomain helicase DNA binding protein 7; plus strand). Cytogenetic location: 8q12.2.
Variant type: single nucleotide variant.
Coding change: c.5771A>G on transcript NM_017780.4 (MANE Select); coding-DNA position 5771, A replaced by G.
Protein change: p.Tyr1924Cys; replaces tyrosine 1924 with cysteine.
Molecular consequence: missense variant. On other transcripts: intron variant (1).
Genome position (GRCh38, 1-based): chr8:60,852,124, A>G. VCF-style: chr8-60852124-A-G. GRCh37 (hg19) VCF-style: chr8-61764683-A-G.
Other names: c.1717-10105A>G (NM_001316690.1); short protein forms Y1924C.
Identifiers: ClinVar variation 1307286 (VCV001307286.2), dbSNP rs769144470, ClinGen allele CA371322784.
Genomic context (GRCh38, chr8:60,852,124, plus strand): 5'-CTAACACTTCAACCCTGACTACACGTCTGCGCCGGCTCATTACTGCCTATCAGCGCAGCT[A>G]TAAAAGGCAACAGATGAGGCAAGAGGCCCTAATGAAGACTGACCGGCGCAGACGGCGGCC-3'
Protein context (NP_060250.2, residues 1914-1934): RRLITAYQRS[Tyr1924Cys]KRQQMRQEAL